The following is an entry in ClinVar:

NM_198075.4(LRRC56):c.781G>A (p.Gly261Ser)

Gene: LRRC56 (leucine rich repeat containing 56; plus strand). Cytogenetic location: 11p15.5.
Variant type: single nucleotide variant.
Coding change: c.781G>A on transcript NM_198075.4 (MANE Select); coding-DNA position 781, G replaced by A.
Protein change: p.Gly261Ser; replaces glycine 261 with serine.
Molecular consequence: missense variant.
Genome position (GRCh38, 1-based): chr11:551,287, G>A. VCF-style: chr11-551287-G-A. GRCh37 (hg19) VCF-style: chr11-551287-G-A.
Other names: c.781G>A (NM_198075.3); short protein forms G261S.
Identifiers: ClinVar variation 2176159 (VCV002176159.2), dbSNP rs773545366, ClinGen allele CA5779814.

ClinVar aggregate classification (germline): Uncertain significance. Review status: criteria provided, multiple submitters, no conflicts (2 of 4 stars). 2 submissions from 2 submitters: Uncertain significance (2). Last evaluated 2025-11-26.

Allele frequency attached by ClinVar (database versions not stated): ExAC 0.00007; gnomAD 0.00001; gnomAD exomes 0.00002; TOPMed 0.00002.

Submissions (2):

Ambry Genetics
Classification: Uncertain significance. Last evaluated: 2025-11-26. Review status: criteria provided, single submitter. Criteria: Ambry Variant Classification Scheme 2023. Collection method: clinical testing. Allele origin: germline.

Labcorp Genetics (formerly Invitae), Labcorp
Classification: Uncertain significance. Last evaluated: 2021-12-13. Review status: criteria provided, single submitter. Criteria: Invitae Variant Classification Sherloc (09022015). Collection method: clinical testing. Allele origin: germline.
Comment: This sequence change replaces glycine, which is neutral and non-polar, with serine, which is neutral and polar, at codon 261 of the LRRC56 protein (p.Gly261Ser). This variant is present in population databases (rs773545366, gnomAD 0.004%). This variant has not been reported in the literature in individuals affected with LRRC56-related conditions. Algorithms developed to predict the effect of missense changes on protein structure and function output the following: SIFT: "Tolerated"; PolyPhen-2: "Benign"; Align-GVGD: "Class C0". The serine amino acid residue is found in multiple mammalian species, which suggests that this missense change does not adversely affect protein function. In summary, the available evidence is currently insufficient to determine the role of this variant in disease. Therefore, it has been classified as a Variant of Uncertain Significance.